The following is an entry in ClinVar:

NM_014795.4(ZEB2):c.3557G>T (p.Gly1186Val)

Gene: ZEB2 (zinc finger E-box binding homeobox 2; minus strand). Cytogenetic location: 2q22.3.
Variant type: single nucleotide variant.
Coding change: c.3557G>T on transcript NM_014795.4 (MANE Select); coding-DNA position 3557, G replaced by T.
Protein change: p.Gly1186Val; replaces glycine 1186 with valine.
Molecular consequence: missense variant.
Genome position (GRCh38, 1-based): chr2:144,389,539, C>A on the plus strand (G>T on the coding strand, the complement: ZEB2 is on the minus strand). VCF-style: chr2-144389539-C-A. GRCh37 (hg19) VCF-style: chr2-145147106-C-A.
Other names: c.3485G>T, p.Gly1162Val (NM_001171653.2); short protein forms G1186V, G1162V.
Identifiers: ClinVar variation 391143 (VCV000391143.15), dbSNP rs748213160, ClinGen allele CA1898103.
Genomic context (GRCh38, chr2:144,389,539, plus strand): 5'-TCGTGGTCTGATTTGGTTTCCATTTTCCCATCCTCCGAACTATCGTCCATGGAGTGATCT[C>A]CAGTCTCTTCTTCATCTCGTATCGTTTCGGGATCCGTATCCATACTTTTATTTTCACTTT-3'
Protein context (NP_055610.1, residues 1176-1196): PETIRDEEET[Gly1186Val]DHSMDDSSED

ClinVar aggregate classification (germline): Likely benign. Review status: criteria provided, multiple submitters, no conflicts (2 of 4 stars). 4 submissions from 4 submitters: Likely benign (4). Last evaluated 2025-11-11.

Conditions:
Inborn genetic diseases. Identifiers: MedGen C0950123, MeSH D030342.
Mowat-Wilson syndrome (MOWS). Also called: Classic Mowat-Wilson Syndrome. Identifiers: Orphanet 2152, MedGen C1856113, MONDO:0009341, OMIM 235730.

Allele frequency attached by ClinVar (database versions not stated): gnomAD below 0.00001 and 0.00003; gnomAD exomes 0.00004 and 0.00006; ExAC 0.00008.
gnomAD v4.1: 67 of 1,614,112 alleles (0.0042%); highest among the groups gnomAD compares: South Asian, 0.074%; no homozygotes.

Submissions (4):

Ambry Genetics
Classification: Likely benign for Inborn genetic diseases. Last evaluated: 2025-11-11. Review status: criteria provided, single submitter. Criteria: Ambry Variant Classification Scheme 2023. Collection method: clinical testing. Allele origin: germline.

Labcorp Genetics (formerly Invitae), Labcorp
Classification: Likely benign for Mowat-Wilson syndrome. Last evaluated: 2023-10-10. Review status: criteria provided, single submitter. Criteria: Invitae Variant Classification Sherloc (09022015). Collection method: clinical testing. Allele origin: germline.

Genome-Nilou Lab
Classification: Likely benign for Mowat-Wilson syndrome. Last evaluated: 2021-11-07. Review status: criteria provided, single submitter. Criteria: ACMG Guidelines, 2015. Collection method: clinical testing. Allele origin: germline. Affected: no.

GeneDx
Classification: Likely benign. Last evaluated: 2016-12-01. Review status: criteria provided, single submitter. Criteria: GeneDx Variant Classification (06012015). Collection method: clinical testing. Allele origin: germline. Affected: yes.
Comment: This variant is considered likely benign or benign based on one or more of the following criteria: it is a conservative change, it occurs at a poorly conserved position in the protein, it is predicted to be benign by multiple in silico algorithms, and/or has population frequency not consistent with disease.